The following is an entry in ClinVar:

ClinVar aggregate classification (germline): Likely benign (3 of 4 stars; one submission).

Conditions:
Hereditary thrombocytopenia and hematologic cancer predisposition syndrome. Identifiers: Orphanet 71290, MedGen CN281654, MONDO:0011071.

Allele frequency attached by ClinVar (database versions not stated): gnomAD 0.00003; gnomAD exomes 0.00004; TOPMed 0.00009; 1000 Genomes Project 30x 0.00016; 1000 Genomes Project 0.00020.
gnomAD v4.1: 19 of 233,350 alleles (0.0081%); highest among the groups gnomAD compares: Admixed American, 0.028%; no homozygotes.

Submission:

ClinGen Myeloid Malignancy Variant Curation Expert Panel
Classification: Likely benign for Hereditary thrombocytopenia and hematologic cancer predisposition syndrome. Last evaluated: 2022-06-30. Review status: reviewed by expert panel. Criteria: ClinGen MyeloMalig ACMG Specifications v2. Collection method: curation. Allele origin: germline. Inheritance: Autosomal dominant inheritance.
Comment: NM_001754.5(RUNX1):c.*3527T>G is a 3' UTR variant. MAF of 0.0001764 (0.01764%, 12/68040) in the European (non-finnish) subpopulation of the gnomAD v3.1.2 cohort is ≥ 0.00015 (0.015%) (BS1). In summary, this variant meets the criteria to be classified as benign. ACMG/AMP criteria applied, as specified by the Myeloid Malignancy Variant Curation Expert Panel for RUNX1: BS1

NM_001754.5(RUNX1):c.*3527T>G

Gene: RUNX1 (RUNX family transcription factor 1; minus strand). Cytogenetic location: 21q22.12.
Variant type: single nucleotide variant.
Coding change: c.*3527T>G on transcript NM_001754.5 (MANE Select); 3527 bases downstream of the stop codon, T replaced by G.
Molecular consequence: 3 prime UTR variant.
Genome position (GRCh38, 1-based): chr21:34,788,608, A>C on the plus strand (T>G on the coding strand, the complement: RUNX1 is on the minus strand). VCF-style: chr21-34788608-A-C. GRCh37 (hg19) VCF-style: chr21-36160905-A-C.
Other names: c.*3527T>G (NM_001001890.3).
Identifiers: ClinVar variation 339806 (VCV000339806.6), dbSNP rs548011352, ClinGen allele CA10652908.